The following is an entry in ClinVar:

ClinVar aggregate classification (germline): Uncertain significance (1 of 4 stars; one submission).

Conditions:
Primary ciliary dyskinesia. Also called: Ciliary dyskinesia. Identifiers: Orphanet 244, MedGen C0008780, MONDO:0016575, HP:0012265.

Allele frequency attached by ClinVar (database versions not stated): gnomAD exomes below 0.00001; ExAC 0.00001; gnomAD 0.00001.
gnomAD v4.1: 8 of 1,614,148 alleles (0.0005%); highest among the groups gnomAD compares: East Asian, 0.0022%; no homozygotes.

Submission:

Labcorp Genetics (formerly Invitae), Labcorp
Classification: Uncertain significance for Primary ciliary dyskinesia. Last evaluated: 2017-10-06. Review status: criteria provided, single submitter. Criteria: Invitae Variant Classification Sherloc (09022015). Collection method: clinical testing. Allele origin: germline.
Comment: This variant is present in population databases (rs772986651, ExAC 0.001%). This variant has not been reported in the literature in individuals with DNAAF3-related disease. Algorithms developed to predict the effect of missense changes on protein structure and function (SIFT, PolyPhen-2, Align-GVGD) all suggest that this variant is likely to be tolerated, but these predictions have not been confirmed by published functional studies and their clinical significance is uncertain. In summary, the available evidence is currently insufficient to determine the role of this variant in disease. Therefore, it has been classified as a Variant of Uncertain Significance. This sequence change replaces proline with arginine at codon 21 of the DNAAF3 protein (p.Pro21Arg). The proline residue is weakly conserved and there is a moderate physicochemical difference between proline and arginine.

NM_001256715.2(DNAAF3):c.-69C>G

Genes: DNAAF3 (dynein axonemal assembly factor 3; minus strand), DNAAF3-AS1 (DNAAF3 antisense RNA 1; plus strand). Cytogenetic location: 19q13.42.
Variant type: single nucleotide variant.
Coding change: c.-69C>G on transcript NM_001256715.2 (MANE Select); 69 bases upstream of the start codon, C replaced by G.
Molecular consequence: 5 prime UTR variant. On other transcripts: missense variant (2).
Genome position (GRCh38, 1-based): chr19:55,166,587, G>C on the plus strand (C>G on the coding strand, the complement: DNAAF3 is on the minus strand). VCF-style: chr19-55166587-G-C. GRCh37 (hg19) VCF-style: chr19-55677955-G-C.
Other names: c.-318C>G (NM_001256716.2); c.62C>G, p.Pro21Arg (NM_178837.4, NM_001256714.1); short protein forms P21R.
Identifiers: ClinVar variation 525400 (VCV000525400.9), dbSNP rs772986651, ClinGen allele CA9668318.
Genomic context (GRCh38, chr19:55,166,587, plus strand): 5'-ATCCTCCAAATATCCCGGGACGCCCCTTCCTCTCTGCTCAGTGCAGCACTGTGGACCCGC[G>C]GCACTCCACAACCGCTGCCCAGAGTCCCCGCCCTTTTCGAGGAATCAAGCAATGGAAGCA-3'